The following is an entry in ClinVar:

NM_003743.5(NCOA1):c.1066C>A (p.Pro356Thr)

Gene: NCOA1 (nuclear receptor coactivator 1; plus strand). Cytogenetic location: 2p23.3.
Variant type: single nucleotide variant.
Coding change: c.1066C>A on transcript NM_003743.5 (MANE Select); coding-DNA position 1066, C replaced by A.
Protein change: p.Pro356Thr; replaces proline 356 with threonine.
Molecular consequence: missense variant.
Genome position (GRCh38, 1-based): chr2:24,705,202, C>A. VCF-style: chr2-24705202-C-A. GRCh37 (hg19) VCF-style: chr2-24928071-C-A.
Other names: c.1066C>A, p.Pro356Thr (NM_001362950.1, NM_001362952.1, NM_001362954.1 and 3 more transcripts); short protein forms P356T.
Identifiers: ClinVar variation 3358137 (VCV003358137.2).
Genomic context (GRCh38, chr2:24,705,202, plus strand): 5'-ACAATGCTTAGCGCCCACACCAAGTGTAAACTTTGCTACCCTCAAAGTCCAGACATGCAA[C>A]CTTTCATCATGGGAATTCATATCATCGACAGGTACTACTTATTTGGAGAGCTTCATATGA-3'
Protein context (NP_003734.3, residues 346-366): LCYPQSPDMQ[Pro356Thr]FIMGIHIIDR

ClinVar aggregate classification (germline): Uncertain significance (1 of 4 stars; one submission).

Conditions:
NCOA1-related disorder. Also called: NCOA1-related condition.

gnomAD v4.1: 9 of 1,613,884 alleles (0.00056%); highest among the groups gnomAD compares: Admixed American, 0.013%; no homozygotes.

Submission:

PreventionGenetics, part of Exact Sciences
Classification: Uncertain significance for NCOA1-related condition. Last evaluated: 2025-07-01. Review status: criteria provided, single submitter. Criteria: ACMG Guidelines, 2015. Collection method: clinical testing. Allele origin: germline.
Comment: The NCOA1 c.1066C>A variant is predicted to result in the amino acid substitution p.Pro356Thr. To our knowledge, this variant has not been reported in the literature. This variant is reported in 0.014% of alleles in individuals of Latino descent in gnomAD. At this time, the clinical significance of this variant is uncertain due to the absence of conclusive functional and genetic evidence.